The following is an entry in ClinVar:

ClinVar aggregate classification (germline): Benign/Likely benign. Review status: criteria provided, multiple submitters, no conflicts (2 of 4 stars). 9 submissions from 9 submitters: Benign (5); Likely benign (4). Last evaluated 2026-10-01.

Conditions:
Chuvash polycythemia. Also called: POLYCYTHEMIA, VHL-DEPENDENT. Identifiers: Orphanet 238557, MedGen C1837915, MONDO:0009892, OMIM 263400.
VHL-related disorder. Also called: VHL-related condition.
Von Hippel-Lindau syndrome (VHLS). Also called: Von Hippel-Lindau; VHL syndrome; von Hippel–Lindau syndrome. Identifiers: Orphanet 892, MedGen C0019562, MONDO:0008667, OMIM 193300. Disease mechanism: loss of function.

Allele frequency attached by ClinVar (database versions not stated): 1000 Genomes Project 0.00260; 1000 Genomes Project 30x 0.00328; TOPMed 0.00723; gnomAD 0.00961 and 0.01009; gnomAD exomes 0.00962.
gnomAD v4.1: 1,452 of 152,456 alleles (0.95%); highest among the groups gnomAD compares: Non-Finnish European, 1.4%; 7 homozygotes.

Submissions (9):

CeGaT Center for Human Genetics Tuebingen
Classification: Benign. Last evaluated: 2026-10-01. Review status: criteria provided, single submitter. Criteria: CeGaT Center For Human Genetics Tuebingen Variant Classification Criteria Version 2. Collection method: clinical testing. Allele origin: germline. Affected: yes. Observed: 134 variant alleles.
Comment: VHL: BS1, BS2

PreventionGenetics, part of Exact Sciences
Classification: Benign for VHL-related condition. Last evaluated: 2026-03-29. Review status: criteria provided, single submitter. Criteria: ACMG Guidelines, 2015. Collection method: clinical testing. Allele origin: germline.
Comment: This variant is classified as benign based on ACMG/AMP sequence variant interpretation guidelines (Richards et al. 2015 PMID: 25741868, with internal and published modifications).

Labcorp Genetics (formerly Invitae), Labcorp
Classification: Benign for Von Hippel-Lindau syndrome; Chuvash polycythemia. Last evaluated: 2026-02-04. Review status: criteria provided, single submitter. Criteria: Invitae Variant Classification Sherloc (09022015). Collection method: clinical testing. Allele origin: germline.

Dasa
Classification: Benign. Last evaluated: 2025-12-30. Review status: criteria provided, single submitter. Criteria: DASA Assertion Criteria. Collection method: clinical testing. Allele origin: germline.
Comment: NM_001354723.2(VHL):c.413T>C (p.Leu138Pro) is interpreted as benign based on a combination of available evidence, which may include population frequency, observations in unaffected individuals, intact protein function, lack of segregation with disease, in silico models, amino acid conservation, lack of disease association in case-control studies, and/or inconsistency with the known disease mechanism or impacted region. Based on the available data, this variant is classified as benign.

Mayo Clinic Laboratories, Mayo Clinic
Classification: Likely benign. Last evaluated: 2025-10-28. Review status: criteria provided, single submitter. Criteria: ACMG Guidelines, 2015. Collection method: clinical testing. Allele origin: germline. Observed: 8 variant alleles.

Myriad Genetics, Inc.
Classification: Likely benign for Von Hippel-Lindau syndrome. Last evaluated: 2025-06-11. Review status: criteria provided, single submitter. Criteria: Myriad Autosomal Dominant, Autosomal Recessive and X-Linked Classification Criteria (2023). Collection method: clinical testing. Allele origin: unknown.
Comment: This variant is considered likely benign. This variant is intronic and is not expected to impact mRNA splicing. This variant has been observed at a population frequency that is significantly greater than expected given the associated disease prevalence and penetrance.

Center for Genomic Medicine, Rigshospitalet, Copenhagen University Hospital
Classification: Benign. Last evaluated: 2025-03-04. Review status: criteria provided, single submitter. Criteria: ACMG Guidelines, 2015. Collection method: clinical testing. Allele origin: germline.

Oxford Medical Genetics Laboratories, Oxford University Hospitals NHS Foundation Trust
Classification: Likely benign for Chuvash polycythemia. Last evaluated: 2023-03-23. Review status: criteria provided, single submitter. Criteria: ACMG Guidelines, 2015. Collection method: clinical testing. Allele origin: germline. Affected: yes.

GeneDx
Classification: Likely benign. Last evaluated: 2021-05-17. Review status: criteria provided, single submitter. Criteria: GeneDx Variant Classification Process June 2021. Collection method: clinical testing. Allele origin: germline. Affected: yes.

NM_000551.4(VHL):c.340+648T>C

Genes: VHL (von Hippel-Lindau tumor suppressor; plus strand), LOC107303340 (3p25 von Hippel-Lindau tumor suppressor, E3 ubiquitin protein ligase Alu-mediated recombination region; plus strand). Cytogenetic location: 3p25.3.
Variant type: single nucleotide variant.
Coding change: c.340+648T>C on transcript NM_000551.4 (MANE Select); 648 bases into the intron after coding-DNA position 340, T replaced by C.
Molecular consequence: intron variant. On other transcripts: missense variant (1).
Genome position (GRCh38, 1-based): chr3:10,142,835, T>C. VCF-style: chr3-10142835-T-C. GRCh37 (hg19) VCF-style: chr3-10184519-T-C.
Other names: p.?; c.413T>C (NM_001354723.1); c.413T>C, p.Leu138Pro (NM_001354723.2); c.340+648T>C (NM_198156.3, NM_000551.3); short protein forms L138P.
Identifiers: ClinVar variation 827583 (VCV000827583.66), dbSNP rs73024533, ClinGen allele CA70046724.
Genomic context (GRCh38, chr3:10,142,835, plus strand): 5'-CAGTGGGCCAGTTCTGCGTAGTCCCTGCCCTCGTGGAGAACACATTCCTCCTGGGGAGAC[T>C]GACAGATGCAAAGACAGGAACAAGCCAGGGTCATGTTGGCGCCGGAAGAGCCGACCGTGT-3'